The following is an entry in ClinVar:

NM_005148.4(UNC119):c.258C>T (p.Ile86=)

Gene: UNC119 (unc-119 lipid binding chaperone; minus strand). Cytogenetic location: 17q11.2.
Variant type: single nucleotide variant.
Coding change: c.258C>T on transcript NM_005148.4 (MANE Select); coding-DNA position 258, C replaced by T.
Protein change: p.Ile86=; no amino-acid change (isoleucine 86 retained).
Molecular consequence: synonymous variant. On other transcripts: 5 prime UTR variant (1).
Genome position (GRCh38, 1-based): chr17:28,548,668, G>A on the plus strand (C>T on the coding strand, the complement: UNC119 is on the minus strand). VCF-style: chr17-28548668-G-A. GRCh37 (hg19) VCF-style: chr17-26875686-G-A.
Other names: c.-28C>T (NM_001330166.2); c.258C>T, p.Ile86= (NM_054035.2).
Identifiers: ClinVar variation 3040919 (VCV003040919.3), dbSNP rs767872520, ClinGen allele CA8459866.

ClinVar aggregate classification (germline): Likely benign. Review status: criteria provided, single submitter (1 of 4 stars). 2 submissions from 2 submitters: Likely benign (1). 1 of the submissions does not count toward it. Last evaluated 2024-02-05.

Conditions:
UNC119-related disorder. Also called: UNC119-related condition.

Allele frequency attached by ClinVar (database versions not stated): gnomAD 0.00001; ExAC 0.00002; gnomAD exomes 0.00002; TOPMed 0.00002.
gnomAD v4.1: 28 of 1,614,036 alleles (0.0017%); highest among the groups gnomAD compares: South Asian, 0.02%; 2 homozygotes.

Submissions (2):

Blueprint Genetics
Classification: Likely benign. Last evaluated: 2024-02-05. Review status: criteria provided, single submitter. Criteria: ACMG Guidelines, 2015. Collection method: clinical testing. Allele origin: germline.

PreventionGenetics, part of Exact Sciences
Classification: Likely benign for UNC119-related condition. Last evaluated: 2019-09-18. Review status: no assertion criteria provided. Collection method: clinical testing. Allele origin: germline. Not counted in ClinVar's aggregate classification.
Comment: This variant is classified as likely benign based on ACMG/AMP sequence variant interpretation guidelines (Richards et al. 2015 PMID: 25741868, with internal and published modifications).